The following is an entry in ClinVar:

NM_052813.5(CARD9):c.325G>A (p.Ala109Thr)

Gene: CARD9 (caspase recruitment domain family member 9; minus strand). Cytogenetic location: 9q34.3.
Variant type: single nucleotide variant.
Coding change: c.325G>A on transcript NM_052813.5 (MANE Select); coding-DNA position 325, G replaced by A.
Protein change: p.Ala109Thr; replaces alanine 109 with threonine.
Molecular consequence: missense variant.
Genome position (GRCh38, 1-based): chr9:136,371,143, C>T on the plus strand (G>A on the coding strand, the complement: CARD9 is on the minus strand). VCF-style: chr9-136371143-C-T. GRCh37 (hg19) VCF-style: chr9-139265595-C-T.
Other names: c.325G>A, p.Ala109Thr (NM_052814.4); short protein forms A109T.
Identifiers: ClinVar variation 4752477 (VCV004752477.1).

ClinVar aggregate classification (germline): Uncertain significance (1 of 4 stars; one submission).

Conditions:
Predisposition to invasive fungal disease due to CARD9 deficiency (IMD103). Also called: Candidiasis, familial, 2, autosomal recessive; IMMUNODEFICIENCY 103, SUSCEPTIBILITY TO FUNGAL INFECTIONS; CARD9 IMMUNODEFICIENCY. Identifiers: Orphanet 457088, MedGen C1859353, MONDO:0008905, OMIM 212050.

Submission:

Labcorp Genetics (formerly Invitae), Labcorp
Classification: Uncertain significance for Predisposition to invasive fungal disease due to CARD9 deficiency. Last evaluated: 2025-10-29. Review status: criteria provided, single submitter. Criteria: Invitae Variant Classification Sherloc (09022015). Collection method: clinical testing. Allele origin: germline.
Comment: This sequence change replaces alanine, which is neutral and non-polar, with threonine, which is neutral and polar, at codon 109 of the CARD9 protein (p.Ala109Thr). The frequency data for this variant in the population databases is considered unreliable, as metrics indicate poor data quality at this position in the gnomAD database. This variant has not been reported in the literature in individuals affected with CARD9-related conditions. An algorithm developed to predict the effect of missense changes on protein structure and function (PolyPhen-2) suggests that this variant is likely to be tolerated. In summary, the available evidence is currently insufficient to determine the role of this variant in disease. Therefore, it has been classified as a Variant of Uncertain Significance.